The following is an entry in ClinVar:

ClinVar aggregate classification (germline): Uncertain significance (1 of 4 stars; one submission).

Conditions:
Inborn genetic diseases. Identifiers: MedGen C0950123, MeSH D030342.

Submission:

Ambry Genetics
Classification: Uncertain significance for Inborn genetic diseases. Last evaluated: 2025-10-22. Review status: criteria provided, single submitter. Criteria: Ambry Variant Classification Scheme 2023. Collection method: clinical testing. Allele origin: germline.
Comment: The c.1102A>G (p.T368A) alteration is located in exon 9 (coding exon 8) of the SCN8A gene. This alteration results from a A to G substitution at nucleotide position 1102, causing the threonine (T) at amino acid position 368 to be replaced by an alanine (A). This variant was not reported in population-based cohorts in the Genome Aggregation Database (gnomAD). Another variant at the same codon, c.1103C>T (p.T368I) has been identified in individual(s) with features consistent with SCN8A-related disorders (Hu, 2022). This amino acid position is highly conserved in available vertebrate species. This missense alteration is located in a region that has a low rate of benign missense variation (Lek, 2016; Firth, 2009). This alteration is predicted to be deleterious by in silico analysis. Based on insufficient or conflicting evidence, the clinical significance of this alteration remains unclear.

Literature cited by the submitters: PubMed 34979445.

NM_001330260.2(SCN8A):c.1102A>G (p.Thr368Ala)

Gene: SCN8A (sodium voltage-gated channel alpha subunit 8; plus strand). Cytogenetic location: 12q13.13.
Variant type: single nucleotide variant.
Coding change: c.1102A>G on transcript NM_001330260.2 (MANE Select); coding-DNA position 1102, A replaced by G.
Protein change: p.Thr368Ala; replaces threonine 368 with alanine.
Molecular consequence: missense variant.
Genome position (GRCh38, 1-based): chr12:51,702,882, A>G. VCF-style: chr12-51702882-A-G. GRCh37 (hg19) VCF-style: chr12-52096666-A-G.
Other names: c.1102A>G, p.Thr368Ala (NM_001177984.3, NM_001369788.1, NM_014191.4); short protein forms T368A.
Identifiers: ClinVar variation 4160688 (VCV004160688.2).